The following is an entry in ClinVar:

NM_004525.3(LRP2):c.6698T>C (p.Ile2233Thr)

Gene: LRP2 (LDL receptor related protein 2; minus strand). Cytogenetic location: 2q31.1.
Variant type: single nucleotide variant.
Coding change: c.6698T>C on transcript NM_004525.3 (MANE Select); coding-DNA position 6698, T replaced by C.
Protein change: p.Ile2233Thr; replaces isoleucine 2233 with threonine.
Molecular consequence: missense variant.
Genome position (GRCh38, 1-based): chr2:169,207,022, A>G on the plus strand (T>C on the coding strand, the complement: LRP2 is on the minus strand). VCF-style: chr2-169207022-A-G. GRCh37 (hg19) VCF-style: chr2-170063532-A-G.
Other names: short protein forms I2233T.
Identifiers: ClinVar variation 1496844 (VCV001496844.6), dbSNP rs751833488, ClinGen allele CA1954236.
Genomic context (GRCh38, chr2:169,207,022, plus strand): 5'-TCATCAACCCAATAAACGTAGCCATCACTTCGGTCCACTGCCAAGCCCCGTGGTGTGACA[A>G]TGCCCTCTGACACAAGCACTGTTCGATTGGTACAGTCAAGGAAAGAACGCTCAATCTTTG-3'
Protein context (NP_004516.2, residues 2223-2243): TNRTVLVSEG[Ile2233Thr]VTPRGLAVDR

ClinVar aggregate classification (germline): Uncertain significance. Review status: criteria provided, multiple submitters, no conflicts (2 of 4 stars). 2 submissions from 2 submitters: Uncertain significance (2). Last evaluated 2024-04-22.

Conditions:
Donnai-Barrow syndrome. Also called: DBS/FOAR SYNDROME; FACIOOCULOACOUSTICORENAL SYNDROME. Identifiers: Orphanet 2143, MedGen C1857277, MONDO:0009104, OMIM 222448.

Allele frequency attached by ClinVar (database versions not stated): gnomAD exomes below 0.00001 and 0.00001; ExAC 0.00001.
gnomAD v4.1: 4 of 1,614,104 alleles (0.00025%); highest among the groups gnomAD compares: Non-Finnish European, 0.00034%; no homozygotes.

Submissions (2):

Fulgent Genetics
Classification: Uncertain significance for Donnai-Barrow syndrome. Last evaluated: 2024-04-22. Review status: criteria provided, single submitter. Criteria: ACMG Guidelines, 2015. Collection method: clinical testing. Allele origin: germline.

Labcorp Genetics (formerly Invitae), Labcorp
Classification: Uncertain significance. Last evaluated: 2022-05-04. Review status: criteria provided, single submitter. Criteria: Invitae Variant Classification Sherloc (09022015). Collection method: clinical testing. Allele origin: germline.
Comment: This sequence change replaces isoleucine, which is neutral and non-polar, with threonine, which is neutral and polar, at codon 2233 of the LRP2 protein (p.Ile2233Thr). This variant is present in population databases (rs751833488, gnomAD 0.0009%). This variant has not been reported in the literature in individuals affected with LRP2-related conditions. Algorithms developed to predict the effect of missense changes on protein structure and function output the following: SIFT: "Deleterious"; PolyPhen-2: "Benign"; Align-GVGD: "Class C65". The threonine amino acid residue is found in multiple mammalian species, which suggests that this missense change does not adversely affect protein function. In summary, the available evidence is currently insufficient to determine the role of this variant in disease. Therefore, it has been classified as a Variant of Uncertain Significance.